The following is an entry in ClinVar:

ClinVar aggregate classification (germline): Likely benign. Review status: criteria provided, multiple submitters, no conflicts (2 of 4 stars). 3 submissions from 3 submitters: Likely benign (3). Last evaluated 2025-02-15.

Conditions:
Severe combined immunodeficiency due to DNA-PKcs deficiency. Also called: IMMUNODEFICIENCY 26 WITH NEUROLOGIC ABNORMALITIES; Immunodeficiency 26 with or without neurologic abnormalities. Identifiers: Orphanet 317425, MedGen C4014833, MONDO:0014423, OMIM 615966.

Allele frequency attached by ClinVar (database versions not stated): gnomAD exomes 0.00001 and 0.00005; ExAC 0.00007; gnomAD 0.00012 and 0.00013; TOPMed 0.00012; 1000 Genomes Project 30x 0.00016; 1000 Genomes Project 0.00020.
gnomAD v4.1: 29 of 1,396,362 alleles (0.0021%); highest among the groups gnomAD compares: African/African-American, 0.04%; no homozygotes.

Submissions (3):

Labcorp Genetics (formerly Invitae), Labcorp
Classification: Likely benign for Severe combined immunodeficiency due to DNA-PKcs deficiency. Last evaluated: 2025-02-15. Review status: criteria provided, single submitter. Criteria: Invitae Variant Classification Sherloc (09022015). Collection method: clinical testing. Allele origin: germline.

Blueprint Genetics
Classification: Likely benign. Last evaluated: 2021-09-01. Review status: criteria provided, single submitter. Criteria: ACMG Guidelines, 2015. Collection method: clinical testing. Allele origin: germline.

GeneDx
Classification: Likely benign. Last evaluated: 2018-04-23. Review status: criteria provided, single submitter. Criteria: GeneDx Variant Classification (06012015). Collection method: clinical testing. Allele origin: germline. Affected: yes.
Comment: This variant is considered likely benign or benign based on one or more of the following criteria: it is a conservative change, it occurs at a poorly conserved position in the protein, it is predicted to be benign by multiple in silico algorithms, and/or has population frequency not consistent with disease.

NM_006904.7(PRKDC):c.4963-9T>A

Gene: PRKDC (protein kinase, DNA-activated, catalytic subunit; minus strand). Cytogenetic location: 8q11.21.
Variant type: single nucleotide variant.
Coding change: c.4963-9T>A on transcript NM_006904.7 (MANE Select); 9 bases into the intron before coding-DNA position 4963, T replaced by A.
Molecular consequence: intron variant.
Genome position (GRCh38, 1-based): chr8:47,881,529, A>T on the plus strand (T>A on the coding strand, the complement: PRKDC is on the minus strand). VCF-style: chr8-47881529-A-T. GRCh37 (hg19) VCF-style: chr8-48794090-A-T.
Other names: c.4963-9T>A (NM_001081640.2).
Identifiers: ClinVar variation 682366 (VCV000682366.10), dbSNP rs575172711, ClinGen allele CA4740747.